The following is an entry in ClinVar:

ClinVar aggregate classification (germline): Pathogenic. Review status: reviewed by expert panel (3 of 4 stars). 7 submissions from 7 submitters: Pathogenic (1). 6 of the submissions do not count toward it. Last evaluated 2016-10-18.

Conditions:
Hereditary cancer-predisposing syndrome. Also called: Tumor predisposition; Neoplastic Syndromes, Hereditary; Hereditary neoplastic syndrome; Hereditary Cancer Syndrome. Identifiers: Orphanet 140162, MedGen C0027672, MeSH D009386, MONDO:0015356.
Hereditary breast ovarian cancer syndrome. Also called: Hereditary breast and ovarian cancer; Hereditary breast and ovarian cancer syndrome (HBOC); Hereditary breast and/or ovarian cancer syndrome; Breast and ovarian cancer; Hereditary breast and ovarian cancer syndrome; BRCA1- and BRCA2-Associated Hereditary Breast and Ovarian Cancer. Identifiers: Orphanet 145, MedGen C0677776, MeSH D061325, MONDO:0003582. Disease mechanism: loss of function.
BRCA2-related cancer predisposition. Identifiers: MedGen CN377758, MONDO:0700269.
Breast and/or ovarian cancer. Identifiers: MedGen CN221562.
Breast-ovarian cancer, familial, susceptibility to, 2 (BROVCA2). Also called: BRCA2 Hereditary Breast and Ovarian Cancer. Identifiers: Orphanet 145, MedGen C2675520, MONDO:0012933, OMIM 612555. Disease mechanism: loss of function.

Allele frequency attached by ClinVar (database versions not stated): gnomAD exomes below 0.00001.
gnomAD v4.1: 1 of 1,612,900 alleles (0.000062%); highest among the groups gnomAD compares: Non-Finnish European, 0.000085%; no homozygotes.

Submissions (7):

Evidence-based Network for the Interpretation of Germline Mutant Alleles (ENIGMA)
Classification: Pathogenic for Breast-ovarian cancer, familial, susceptibility to, 2. Last evaluated: 2016-10-18. Review status: reviewed by expert panel. Criteria: ENIGMA BRCA1/2 Classification Criteria (2015). Collection method: curation. Allele origin: germline.
Comment: Variant allele predicted to encode a truncated non-functional protein.

Ambry Genetics
Classification: Pathogenic for Hereditary cancer-predisposing syndrome. Last evaluated: 2025-06-05. Review status: criteria provided, single submitter. Criteria: Ambry Variant Classification Scheme 2023. Collection method: clinical testing. Allele origin: germline. Not counted in ClinVar's aggregate classification.
Comment: The p.L366* pathogenic mutation (also known as c.1097T>G), located in coding exon 9 of the BRCA2 gene, results from a T to G substitution at nucleotide position 1097. This changes the amino acid from a leucine to a stop codon within coding exon 9. This variant was reported in individual(s) with features consistent with BRCA2-related cancer predisposition (Nyberg T et al. Eur Urol, 2020 Oct;78:494-497; (Ferreyra Y et al. Front Oncol, 2023 Aug;13:1227864). This alteration is expected to result in loss of function by premature protein truncation or nonsense-mediated mRNA decay. As such, this alteration is interpreted as a disease-causing mutation.

CHEO Genetics Diagnostic Laboratory, Children's Hospital of Eastern Ontario
Classification: Pathogenic for Breast and/or ovarian cancer. Last evaluated: 2023-04-06. Review status: criteria provided, single submitter. Criteria: ACMG Guidelines, 2015. Collection method: clinical testing. Allele origin: germline. Not counted in ClinVar's aggregate classification.

Quest Diagnostics Nichols Institute San Juan Capistrano
Classification: Pathogenic. Last evaluated: 2022-11-05. Review status: criteria provided, single submitter. Criteria: Quest Diagnostics criteria. Collection method: clinical testing. Allele origin: unknown. Not counted in ClinVar's aggregate classification.
Comment: This nonsense variant causes the premature termination of BRCA2 protein synthesis. Based on the available information, this variant is classified as pathogenic.

Department of Pathology and Laboratory Medicine, Sinai Health System
Classification: Pathogenic for BRCA2-related cancer predisposition. Last evaluated: 2020-12-17. Review status: criteria provided, single submitter. Criteria: ACMG Guidelines, 2015. Collection method: clinical testing. Allele origin: germline. Not counted in ClinVar's aggregate classification.

Labcorp Genetics (formerly Invitae), Labcorp
Classification: Pathogenic for Hereditary breast ovarian cancer syndrome. Last evaluated: 2019-12-31. Review status: criteria provided, single submitter. Criteria: Invitae Variant Classification Sherloc (09022015). Collection method: clinical testing. Allele origin: germline. Not counted in ClinVar's aggregate classification.
Comment: This variant has been observed in an individual with high risk of breast and/or ovarian cancer (PMID: 29446198). ClinVar contains an entry for this variant (Variation ID: 266609). This variant is not present in population databases (ExAC no frequency). This sequence change creates a premature translational stop signal (p.Leu366*) in the BRCA2 gene. It is expected to result in an absent or disrupted protein product. Loss-of-function variants in BRCA2 are known to be pathogenic (PMID: 20104584). For these reasons, this variant has been classified as Pathogenic.

Consortium of Investigators of Modifiers of BRCA1/2 (CIMBA), c/o University of Cambridge
Classification: Pathogenic for Breast-ovarian cancer, familial, susceptibility to, 2. Last evaluated: 2015-10-02. Review status: criteria provided, single submitter. Criteria: CIMBA Mutation Classification guidelines May 2016. Collection method: clinical testing. Allele origin: germline. Not counted in ClinVar's aggregate classification.

Literature cited by the submitters: PubMed 32532514 (cited by Ambry Genetics); PubMed 37664050 (cited by Ambry Genetics); PubMed 29446198 (cited by Quest Diagnostics Nichols Institute San Juan Capistrano and Labcorp Genetics (formerly Invitae), Labcorp); PubMed 29922827 (cited by Quest Diagnostics Nichols Institute San Juan Capistrano); PubMed 29625052 (cited by Quest Diagnostics Nichols Institute San Juan Capistrano); PubMed 20104584 (cited by Labcorp Genetics (formerly Invitae), Labcorp).

NM_000059.4(BRCA2):c.1097T>G (p.Leu366Ter)

Gene: BRCA2 (BRCA2 DNA repair associated; plus strand). Cytogenetic location: 13q13.1.
Variant type: single nucleotide variant.
Coding change: c.1097T>G on transcript NM_000059.4 (MANE Select); coding-DNA position 1097, T replaced by G.
Protein change: p.Leu366Ter; replaces leucine 366 with a stop codon.
Molecular consequence: nonsense.
Genome position (GRCh38, 1-based): chr13:32,332,575, T>G. VCF-style: chr13-32332575-T-G. GRCh37 (hg19) VCF-style: chr13-32906712-T-G.
Other names: 1325T>G; short protein forms L366*.
Identifiers: ClinVar variation 266609 (VCV000266609.17), dbSNP rs886040345, ClinGen allele CA10589072.